The following is an entry in ClinVar:

ClinVar aggregate classification (germline): Benign/Likely benign. Review status: criteria provided, multiple submitters, no conflicts (2 of 4 stars). 8 submissions from 8 submitters: Benign (4); Likely benign (1). 3 of the submissions do not count toward it. Last evaluated 2026-02-04.

Conditions:
Leukocyte adhesion deficiency 1 (LAD1). Also called: LEUKOCYTE ADHESION DEFICIENCY, TYPE I; LAD 1; Lymphocyte function-associated antigen 1 immunodeficiency; LFA 1 immunodeficiency. Identifiers: Orphanet 2968, Orphanet 99842, MedGen C0398738, MONDO:0007293, OMIM 116920.

Allele frequency attached by ClinVar (database versions not stated): gnomAD 0.99991 and 0.99992; gnomAD exomes 0.99993; TOPMed 0.99993.

Submissions (8):

Labcorp Genetics (formerly Invitae), Labcorp
Classification: Benign for Leukocyte adhesion deficiency 1. Last evaluated: 2026-02-04. Review status: criteria provided, single submitter. Criteria: Invitae Variant Classification Sherloc (09022015). Collection method: clinical testing. Allele origin: germline.

Blueprint Genetics
Classification: Likely benign. Last evaluated: 2024-11-28. Review status: criteria provided, single submitter. Criteria: ACMG Guidelines, 2015. Collection method: clinical testing. Allele origin: germline.

Illumina Laboratory Services, Illumina
Classification: Benign for Leukocyte adhesion deficiency 1. Last evaluated: 2018-01-13. Review status: criteria provided, single submitter. Criteria: ICSL Variant Classification Criteria 13 December 2019. Collection method: clinical testing. Allele origin: germline.
Comment: This variant was observed in the ICSL laboratory as part of a predisposition screen in an ostensibly healthy population. It had not been previously curated by ICSL or reported in the Human Gene Mutation Database (HGMD: prior to June 1st, 2018), and was therefore a candidate for classification through an automated scoring system. Utilizing variant allele frequency, disease prevalence and penetrance estimates, and inheritance mode, an automated score was calculated to assess if this variant is too frequent to cause the disease. Based on the score and internal cut-off values, a variant classified as benign is not then subjected to further curation. The score for this variant resulted in a classification of benign for this disease.

GeneDx
Classification: Benign. Last evaluated: 2015-03-03. Review status: criteria provided, single submitter. Criteria: GeneDx Variant Classification Process June 2021. Collection method: clinical testing. Allele origin: germline. Affected: yes.
Comment: This variant is associated with the following publications: (PMID: 24267136)

Breakthrough Genomics
Classification: Benign. Review status: criteria provided, single submitter. Criteria: ACMG Guidelines, 2015. Collection method: not provided. Allele origin: germline. Inheritance: Autosomal recessive inheritance. Affected: yes.

Diagnostic Laboratory, Department of Genetics, University Medical Center Groningen
Classification: Benign. Review status: no assertion criteria provided. Collection method: clinical testing. Allele origin: germline. Affected: yes. Study: VKGL Data-share Consensus. Not counted in ClinVar's aggregate classification.

Genomic Research Center, Shahid Beheshti University of Medical Sciences
No classification provided. Condition: Leukocyte adhesion deficiency type 1. Review status: no classification provided. Collection method: not provided. Allele origin: inherited. Study: Mutation spectra of the ITGB2 gene in Iranian families with leukocyte adhesion deficiency type 1. Not counted in ClinVar's aggregate classification.
ClinVar note: Converted during submission from untested to not provided.

Joint Genome Diagnostic Labs from Nijmegen and Maastricht, Radboudumc and MUMC+
Classification: Benign. Review status: no assertion criteria provided. Collection method: clinical testing. Allele origin: germline. Affected: yes. Study: VKGL Data-share Consensus. Not counted in ClinVar's aggregate classification.

NM_000211.5(ITGB2):c.1062= (p.His354=)

Gene: ITGB2 (integrin subunit beta 2; minus strand). Cytogenetic location: 21q22.3.
Variant type: single nucleotide variant.
Coding change: c.1062= on transcript NM_000211.5 (MANE Select); coding-DNA position 1062, no change from the reference sequence.
Protein change: p.His354=; no amino-acid change (histidine 354 retained).
Molecular consequence: no sequence alteration.
Genome position: GRCh38 VCF-style: chr21-44894992-A-A. GRCh37 (hg19) VCF-style: chr21-46314907-T-A.
Other names: c.1062=, p.His354= (NM_001127491.3); c.855=, p.His285= (NM_001303238.2); c.1062A>T (LRG_76t1).
Identifiers: ClinVar variation 100745 (VCV000100745.23), dbSNP rs235330.
Genomic context (GRCh38, chr21:44,894,992, plus strand): 5'-CACCCCATGGGTCCCAGCTGAGTGGTGCGGGAGACTCACATTGTAAGCATTCTTAATGAG[A=]TGGACCACATTGCTGGAGTCCTCAGACAGCTCCCCCACGGCTGACTTGGGGATGATCTCG-3'
Protein context (NP_000202.3, residues 344-364): ELSEDSSNVV[His354=]LIKNAYNKLS